The following is an entry in ClinVar:

NM_153026.3(PRICKLE1):c.1639+168G>C

Gene: PRICKLE1 (prickle planar cell polarity protein 1; minus strand). Cytogenetic location: 12q12.
Variant type: single nucleotide variant.
Coding change: c.1639+168G>C on transcript NM_153026.3 (MANE Select); 168 bases into the intron after coding-DNA position 1639, G replaced by C.
Molecular consequence: intron variant.
Genome position (GRCh38, 1-based): chr12:42,464,227, C>G on the plus strand (G>C on the coding strand, the complement: PRICKLE1 is on the minus strand). VCF-style: chr12-42464227-C-G. GRCh37 (hg19) VCF-style: chr12-42858029-C-G.
Other names: c.1639+168G>C (NM_001144883.2, NM_001144882.2, NM_001144881.2).
Identifiers: ClinVar variation 668046 (VCV000668046.1), dbSNP rs2600924, ClinGen allele CA235490851.

ClinVar aggregate classification (germline): Benign (1 of 4 stars; one submission).

Allele frequency attached by ClinVar (database versions not stated): TOPMed 0.96809; gnomAD 0.97057 and 0.97267; 1000 Genomes Project 30x 0.97064; 1000 Genomes Project 0.97244.
gnomAD v4.1: 148,091 of 152,202 alleles (97%); highest among the groups gnomAD compares: Middle Eastern, 100%; 72,181 homozygotes.

Submission:

GeneDx
Classification: Benign. Last evaluated: 2018-06-14. Review status: criteria provided, single submitter. Criteria: GeneDx Variant Classification (06012015). Collection method: clinical testing. Allele origin: germline. Affected: yes.
Comment: This variant is considered likely benign or benign based on one or more of the following criteria: it is a conservative change, it occurs at a poorly conserved position in the protein, it is predicted to be benign by multiple in silico algorithms, and/or has population frequency not consistent with disease.